The following is an entry in ClinVar:

ClinVar aggregate classification (germline): Uncertain significance (1 of 4 stars; one submission).

Conditions:
Intellectual disability-microcephaly-strabismus-behavioral abnormalities syndrome. Also called: White-Sutton Syndrome. Identifiers: Orphanet 468678, MedGen C4225351, MONDO:0014606, OMIM 616364.

gnomAD v4.1: 1 of 1,614,158 alleles (0.000062%); highest among the groups gnomAD compares: Non-Finnish European, 0.000085%; no homozygotes.

Submission:

Clinical Genomics Laboratory, Washington University in St. Louis
Classification: Uncertain significance for Intellectual disability-microcephaly-strabismus-behavioral abnormalities syndrome. Last evaluated: 2025-12-11. Review status: criteria provided, single submitter. Criteria: ACMG Guidelines, 2015. Collection method: clinical testing. Allele origin: germline.
Comment: The POGZ c.1363G>A (p.Glu455Lys) variant, to our knowledge, has not been reported in the medical literature. This variant is absent from the general population (gnomAD v.2.1.1), indicating it is not a common variant. Computational predictors suggest that the variant does not impact POGZ function. Due to limited information, and based on ACMG/AMP guidelines for variant interpretation (Richards S et al., PMID: 25741868), the clinical significance of this variant is uncertain at this time.

NM_015100.4(POGZ):c.1363G>A (p.Glu455Lys)

Gene: POGZ (pogo transposable element derived with ZNF domain; minus strand). Cytogenetic location: 1q21.3.
Variant type: single nucleotide variant.
Coding change: c.1363G>A on transcript NM_015100.4 (MANE Select); coding-DNA position 1363, G replaced by A.
Protein change: p.Glu455Lys; replaces glutamic acid 455 with lysine.
Molecular consequence: missense variant.
Genome position (GRCh38, 1-based): chr1:151,424,109, C>T on the plus strand (G>A on the coding strand, the complement: POGZ is on the minus strand). VCF-style: chr1-151424109-C-T. GRCh37 (hg19) VCF-style: chr1-151396585-C-T.
Other names: c.1336G>A, p.Glu446Lys (NM_001194937.2); c.1177G>A, p.Glu393Lys (NM_001194938.2); c.1384G>A, p.Glu462Lys (NM_001410860.1); c.1078G>A, p.Glu360Lys (NM_145796.4); c.1204G>A, p.Glu402Lys (NM_207171.2); short protein forms E360K, E393K, E402K, E446K, E455K, E462K.
Identifiers: ClinVar variation 4879326 (VCV004879326.1).